The following is an entry in ClinVar:

NM_033109.5(PNPT1):c.1693G>C (p.Gly565Arg)

Gene: PNPT1 (polyribonucleotide nucleotidyltransferase 1; minus strand). Cytogenetic location: 2p16.1.
Variant type: single nucleotide variant.
Coding change: c.1693G>C on transcript NM_033109.5 (MANE Select); coding-DNA position 1693, G replaced by C.
Protein change: p.Gly565Arg; replaces glycine 565 with arginine.
Molecular consequence: missense variant.
Genome position (GRCh38, 1-based): chr2:55,646,304, C>G on the plus strand (G>C on the coding strand, the complement: PNPT1 is on the minus strand). VCF-style: chr2-55646304-C-G. GRCh37 (hg19) VCF-style: chr2-55873439-C-G.
Other names: short protein forms G565R.
Identifiers: ClinVar variation 1414968 (VCV001414968.6), dbSNP rs2104034847, ClinGen allele CA346925497.

ClinVar aggregate classification (germline): Uncertain significance (1 of 4 stars; one submission).

Submission:

Labcorp Genetics (formerly Invitae), Labcorp
Classification: Uncertain significance. Last evaluated: 2022-02-09. Review status: criteria provided, single submitter. Criteria: Invitae Variant Classification Sherloc (09022015). Collection method: clinical testing. Allele origin: germline.
Comment: In summary, the available evidence is currently insufficient to determine the role of this variant in disease. Therefore, it has been classified as a Variant of Uncertain Significance. Advanced modeling of protein sequence and biophysical properties (such as structural, functional, and spatial information, amino acid conservation, physicochemical variation, residue mobility, and thermodynamic stability) performed at Invitae indicates that this missense variant is expected to disrupt PNPT1 protein function. This variant has not been reported in the literature in individuals affected with PNPT1-related conditions. This variant is not present in population databases (gnomAD no frequency). This sequence change replaces glycine, which is neutral and non-polar, with arginine, which is basic and polar, at codon 565 of the PNPT1 protein (p.Gly565Arg).